The following is an entry in ClinVar:

NM_001347721.2(DYRK1A):c.1811A>T (p.His604Leu)

Gene: DYRK1A (dual specificity tyrosine phosphorylation regulated kinase 1A; plus strand). Cytogenetic location: 21q22.13.
Variant type: single nucleotide variant.
Coding change: c.1811A>T on transcript NM_001347721.2 (MANE Select); coding-DNA position 1811, A replaced by T.
Protein change: p.His604Leu; replaces histidine 604 with leucine.
Molecular consequence: missense variant. On other transcripts: 3 prime UTR variant (2).
Genome position (GRCh38, 1-based): chr21:37,512,077, A>T. VCF-style: chr21-37512077-A-T. GRCh37 (hg19) VCF-style: chr21-38884380-A-T.
Other names: c.1811A>T, p.His604Leu (NM_001347722.2, NM_130436.2); c.1724A>T, p.His575Leu (NM_001347723.2); c.1838A>T, p.His613Leu (NM_001396.5); c.*214A>T (NM_101395.2); c.*123A>T (NM_130438.2); short protein forms H575L, H613L, H604L.
Identifiers: ClinVar variation 2767107 (VCV002767107.3), dbSNP rs2053767762, ClinGen allele CA409939637.

ClinVar aggregate classification (germline): Uncertain significance (1 of 4 stars; one submission).

Conditions:
DYRK1A-related intellectual disability syndrome (MRD7). Also called: Intellectual developmental disorder, autosomal dominant 7; DYRK1A Syndrome. Identifiers: Orphanet 464306, MedGen C5568143, MONDO:0013578, OMIM 614104.

Submission:

Labcorp Genetics (formerly Invitae), Labcorp
Classification: Uncertain significance for DYRK1A-related intellectual disability syndrome. Last evaluated: 2023-10-09. Review status: criteria provided, single submitter. Criteria: Invitae Variant Classification Sherloc (09022015). Collection method: clinical testing. Allele origin: germline.
Comment: This sequence change replaces histidine, which is basic and polar, with leucine, which is neutral and non-polar, at codon 613 of the DYRK1A protein (p.His613Leu). This variant is not present in population databases (gnomAD no frequency). This variant has not been reported in the literature in individuals affected with DYRK1A-related conditions. An algorithm developed to predict the effect of missense changes on protein structure and function (PolyPhen-2) suggests that this variant is likely to be tolerated. In summary, the available evidence is currently insufficient to determine the role of this variant in disease. Therefore, it has been classified as a Variant of Uncertain Significance.